The following is an entry in ClinVar:

ClinVar aggregate classification (germline): Uncertain significance (1 of 4 stars; one submission).

Submission:

GeneDx
Classification: Uncertain significance. Last evaluated: 2022-02-18. Review status: criteria provided, single submitter. Criteria: GeneDx Variant Classification Process June 2021. Collection method: clinical testing. Allele origin: germline. Affected: yes.
Comment: Not observed at significant frequency in large population cohorts (gnomAD); In silico analysis supports that this missense variant has a deleterious effect on protein structure/function; Has not been previously published as pathogenic or benign to our knowledge

NM_001110556.2(FLNA):c.5123T>C (p.Phe1708Ser)

Gene: FLNA (filamin A; minus strand). Cytogenetic location: Xq28.
Variant type: single nucleotide variant.
Coding change: c.5123T>C on transcript NM_001110556.2 (MANE Select); coding-DNA position 5123, T replaced by C.
Protein change: p.Phe1708Ser; replaces phenylalanine 1708 with serine.
Molecular consequence: missense variant.
Genome position (GRCh38, 1-based): chrX:154,354,919, A>G on the plus strand (T>C on the coding strand, the complement: FLNA is on the minus strand). VCF-style: chrX-154354919-A-G. GRCh37 (hg19) VCF-style: chrX-153583287-A-G.
Other names: c.5099T>C, p.Phe1700Ser (NM_001456.4); short protein forms F1700S, F1708S.
Identifiers: ClinVar variation 1702570 (VCV001702570.2), dbSNP rs2148107477, ClinGen allele CA415207684.